The following is an entry in ClinVar:

NM_002485.5(NBN):c.63C>T (p.Gly21=)

Gene: NBN (nibrin; minus strand). Cytogenetic location: 8q21.3.
Variant type: single nucleotide variant.
Coding change: c.63C>T on transcript NM_002485.5 (MANE Select); coding-DNA position 63, C replaced by T.
Protein change: p.Gly21=; no amino-acid change (glycine 21 retained).
Molecular consequence: synonymous variant. On other transcripts: 5 prime UTR variant (1).
Genome position (GRCh38, 1-based): chr8:89,982,830, G>A on the plus strand (C>T on the coding strand, the complement: NBN is on the minus strand). VCF-style: chr8-89982830-G-A. GRCh37 (hg19) VCF-style: chr8-90995058-G-A.
Other names: c.-234C>T (NM_001024688.3).
Identifiers: ClinVar variation 421940 (VCV000421940.18), dbSNP rs1064795458, ClinGen allele CA16618718.

ClinVar aggregate classification (germline): Likely benign. Review status: criteria provided, multiple submitters, no conflicts (2 of 4 stars). 3 submissions from 3 submitters: Likely benign (3). Last evaluated 2024-07-21.

Conditions:
Hereditary cancer-predisposing syndrome. Also called: Hereditary neoplastic syndrome; Hereditary Cancer Syndrome; Neoplastic Syndromes, Hereditary; Tumor predisposition. Identifiers: Orphanet 140162, MedGen C0027672, MeSH D009386, MONDO:0015356.
Microcephaly, normal intelligence and immunodeficiency (NBS). Also called: BERLIN BREAKAGE SYNDROME; SEEMANOVA SYNDROME II; Immunodeficiency, microcephaly with normal intelligence; Nijmegen breakage syndrome; Microcephaly with normal intelligence immunodeficiency and lymphoreticular malignancies; Nonsyndromal microcephaly autosomal recessive with normal intelligence. Identifiers: Orphanet 647, MedGen C0398791, MONDO:0009623, OMIM 251260.

Allele frequency attached by ClinVar (database versions not stated): gnomAD below 0.00001 and 0.00001; TOPMed below 0.00001.

Submissions (3):

Labcorp Genetics (formerly Invitae), Labcorp
Classification: Likely benign for Microcephaly, normal intelligence and immunodeficiency. Last evaluated: 2024-07-21. Review status: criteria provided, single submitter. Criteria: Invitae Variant Classification Sherloc (09022015). Collection method: clinical testing. Allele origin: germline.

GeneDx
Classification: Likely benign. Last evaluated: 2018-02-05. Review status: criteria provided, single submitter. Criteria: GeneDx Variant Classification (06012015). Collection method: clinical testing. Allele origin: germline. Affected: yes.
Comment: This variant is considered likely benign or benign based on one or more of the following criteria: it is a conservative change, it occurs at a poorly conserved position in the protein, it is predicted to be benign by multiple in silico algorithms, and/or has population frequency not consistent with disease.

Ambry Genetics
Classification: Likely benign for Hereditary cancer-predisposing syndrome. Last evaluated: 2015-12-09. Review status: criteria provided, single submitter. Criteria: Ambry Variant Classification Scheme 2023. Collection method: clinical testing. Allele origin: germline.